The following is an entry in ClinVar:

ClinVar aggregate classification (germline): Uncertain significance (1 of 4 stars; one submission).

gnomAD v4.1: 1 of 1,606,330 alleles (0.000062%); highest among the groups gnomAD compares: Non-Finnish European, 0.000085%; no homozygotes.

Submission:

GeneDx
Classification: Uncertain significance. Last evaluated: 2024-07-11. Review status: criteria provided, single submitter. Criteria: GeneDx Variant Classification Process June 2021. Collection method: clinical testing. Allele origin: germline. Affected: yes.
Comment: Nonsense variant predicted to result in protein truncation as the last 14 amino acids are lost, although loss-of-function variants have not been reported downstream of this position in the protein; Not observed at significant frequency in large population cohorts (gnomAD); Has not been previously published as pathogenic or benign to our knowledge

NM_021784.5(FOXA2):c.1350C>A (p.Tyr450Ter)

Gene: FOXA2 (forkhead box A2; minus strand). Cytogenetic location: 20p11.21.
Variant type: single nucleotide variant.
Coding change: c.1350C>A on transcript NM_021784.5 (MANE Select); coding-DNA position 1350, C replaced by A.
Protein change: p.Tyr450Ter; replaces tyrosine 450 with a stop codon.
Molecular consequence: nonsense.
Genome position (GRCh38, 1-based): chr20:22,581,892, G>T on the plus strand (C>A on the coding strand, the complement: FOXA2 is on the minus strand). VCF-style: chr20-22581892-G-T. GRCh37 (hg19) VCF-style: chr20-22562530-G-T.
Other names: c.1332C>A, p.Tyr444Ter (NM_153675.3); short protein forms Y450*, Y444*.
Identifiers: ClinVar variation 3572793 (VCV003572793.1).